The following is an entry in ClinVar:

ClinVar aggregate classification (germline): Pathogenic (1 of 4 stars; one submission).

Conditions:
Zellweger spectrum disorders (ZS). Also called: Zellweger syndrome; Zellweger Spectrum Disorder (ZSD); Zellweger Spectrum Disorder; Zellweger Spectrum. Identifiers: Orphanet 912, MedGen C0043459, MONDO:0019609.

Submission:

Labcorp Genetics (formerly Invitae), Labcorp
Classification: Pathogenic for Zellweger spectrum disorders. Last evaluated: 2023-05-01. Review status: criteria provided, single submitter. Criteria: Invitae Variant Classification Sherloc (09022015). Collection method: clinical testing. Allele origin: germline.
Comment: This variant is not present in population databases (gnomAD no frequency). For these reasons, this variant has been classified as Pathogenic. Retrotransposon insertions including LINE1 (L1), Alu, and SVA (SINE-VNTR-Alu) have been reported to be disease-causing through disruption of either a coding region or splice site (PMID: 19763152, 20307669, 22406018) and loss-of-function variants in PEX1 are known to be pathogenic (PMID: 9398847, 16086329, 16141001, 21031596, 26387595, 31831025). Algorithms developed to predict the effect of sequence changes on RNA splicing suggest that this variant may disrupt the consensus splice site. This variant has not been reported in the literature in individuals affected with PEX1-related conditions. This sequence change inserts a large fragment of DNA, likely a transposable element, in exon 21 of the PEX1 gene (c.3261_3262ins?), causing a frameshift at codon 1088 (p.Asn1088fs). The exact size and sequence of the insertion cannot be determined by the current assay. However, the insertion is expected to result in an absent or disrupted protein product.

Literature cited by the submitters: PubMed 19763152; PubMed 20307669; PubMed 22406018; PubMed 9398847; PubMed 16086329; PubMed 16141001; PubMed 21031596; PubMed 26387595; PubMed 31831025.

NM_000466.3(PEX1):c.3261_3262insTTTTTTTTTTTTTTTTTTTTNNNNNNNNNNGCGGCGGCAAAGACTGAGACAGCTCCGCTGCCCGCTGAACTCCATCCTCCTGGCGGTCGGGCGGCGGCGGCTGCCTCAATGGTCTTTCTT (p.Leu1087_Asn1088insPhePhePhePhePhePheXaaXaaXaaXaaAlaAlaAlaLysThrGluThrAlaProLeuProAlaGluLeuHisProProGlyGlyArgAlaAlaAlaAlaAlaSerMetValPheLeu)

Genes: PEX1 (peroxisomal biogenesis factor 1; minus strand), GATAD1 (GATA zinc finger domain containing 1; plus strand). Cytogenetic location: 7q21.2.
Variant type: Microsatellite.
Coding change: c.3261_3262insTTTTTTTTTTTTTTTTTTTTNNNNNNNNNNGCGGCGGCAAAGACTGAGACAGCTCCGCTGCCCGCTGAACTCCATCCTCCTGGCGGTCGGGCGGCGGCGGCTGCCTCAATGGTCTTTCTT on transcript NM_000466.3 (MANE Select); coding-DNA positions 3261 to 3262, TTTTTTTTTTTTTTTTTTTTNNNNNNNNNNGCGGCGGCAAAGACTGAGACAGCTCCGCTGCCCGCTGAACTCCATCCTCCTGGCGGTCGGGCGGCGGCGGCTGCCTCAATGGTCTTTCTT inserted.
Protein change: p.Leu1087_Asn1088insPhePhePhePhePhePheXaaXaaXaaXaaAlaAlaAlaLysThrGluThrAlaProLeuProAlaGluLeuHisProProGlyGlyArgAlaAlaAlaAlaAlaSerMetValPheLeu.
Molecular consequence: inframe insertion.
Genome position: GRCh38: chr7:92,491,449-92,491,463. GRCh37 (hg19), VCF-style position (the base before the change): chr7:92,120,762.
Other names: c.3090_3091insTTTTTTTTTTTTTTTTTTTTNNNNNNNNNNGCGGCGGCAAAGACTGAGACAGCTCCGCTGCCCGCTGAACTCCATCCTCCTGGCGGTCGGGCGGCGGCGGCTGCCTCAATGGTCTTTCTT, p.Leu1030_Asn1031insPhePhePhePhePhePheXaaXaaXaaXaaAlaAlaAlaLysThrGluThrAlaProLeuProAlaGluLeuHisProProGlyGlyArgAlaAlaAlaAlaAlaSerMetValPheLeu (NM_001282677.2); c.2637_2638insTTTTTTTTTTTTTTTTTTTTNNNNNNNNNNGCGGCGGCAAAGACTGAGACAGCTCCGCTGCCCGCTGAACTCCATCCTCCTGGCGGTCGGGCGGCGGCGGCTGCCTCAATGGTCTTTCTT, p.Leu879_Asn880insPhePhePhePhePhePheXaaXaaXaaXaaAlaAlaAlaLysThrGluThrAlaProLeuProAlaGluLeuHisProProGlyGlyArgAlaAlaAlaAlaAlaSerMetValPheLeu (NM_001282678.2).
Identifiers: ClinVar variation 2861343 (VCV002861343.3).